The following is an entry in ClinVar:

ClinVar aggregate classification (germline): Likely benign (1 of 4 stars; one submission).

Submission:

CeGaT Center for Human Genetics Tuebingen
Classification: Likely benign. Last evaluated: 2026-09-01. Review status: criteria provided, single submitter. Criteria: CeGaT Center For Human Genetics Tuebingen Variant Classification Criteria Version 2. Collection method: clinical testing. Allele origin: germline. Affected: yes. Observed: 27 variant alleles.
Comment: KCNQ1OT1: BS2

NM_000218.3(KCNQ1):c.1393+32098_1393+32099insGTT

Genes: KCNQ1 (potassium voltage-gated channel subfamily Q member 1; plus strand), KCNQ1OT1 (KCNQ1 opposite strand/antisense transcript 1; minus strand). Cytogenetic location: 11p15.5.
Variant type: Insertion.
Coding change: c.1393+32098_1393+32099insGTT on transcript NM_000218.3 (MANE Select); bases 32098 to 32099 of the intron after coding-DNA position 1393, GTT inserted.
Molecular consequence: intron variant. On other transcripts: non-coding transcript variant (1).
Genome position: GRCh38 VCF-style: chr11-2620950-T-TTTG. GRCh37 (hg19) VCF-style: chr11-2642180-T-TTTG.
Other names: c.1123+32098_1123+32099insGTT (NM_001406837.1); c.1297+32098_1297+32099insGTT (NM_001406836.1); c.853+32098_853+32099insGTT (NM_001406838.1); c.1012+32098_1012+32099insGTT (NM_181798.2).
Identifiers: ClinVar variation 2641386 (VCV002641386.24), dbSNP rs769697099, ClinGen allele CA216362389.
Genomic context (GRCh38, chr11:2,620,950, plus strand): 5'-GGTGTGAGATGGCATCCCATTATGGTTTGGTGTTTTTTTGTTGTTGTTGTTTTGTTTTGT[T>TTTG]TTTTTTTGTCTGTTTTTTGCTTTTTTGTTTGTTTGTTTGTTTTTTGAGAAAGAGTCTTGC-3'